The following is an entry in ClinVar:

ClinVar aggregate classification (germline): Uncertain significance (1 of 4 stars; one submission).

Conditions:
Frasier syndrome. Identifiers: Orphanet 347, MedGen C0950122, MeSH D052159, MONDO:0007635, OMIM 136680.
Wilms tumor 1 (WT1). Also called: Wilms tumor, somatic. Identifiers: Orphanet 654, MedGen CN033288, MONDO:0008679, OMIM 194070.
Drash syndrome (DDS). Also called: WILMS TUMOR AND PSEUDO- OR TRUE HERMAPHRODITISM; NEPHROPATHY, WILMS TUMOR, AND GENITAL ANOMALIES. Identifiers: Orphanet 220, MedGen C0950121, MONDO:0008682, OMIM 194080.
11p partial monosomy syndrome (WAGR). Also called: WAGR Complex; WAGR Spectrum Disorder; WAGR syndrome; CHROMOSOME 11p13 DELETION SYNDROME. Identifiers: Orphanet 893, MedGen C0206115, MONDO:0008681, OMIM 194072.

Allele frequency attached by ClinVar (database versions not stated): TOPMed below 0.00001.

Submission:

Labcorp Genetics (formerly Invitae), Labcorp
Classification: Uncertain significance for Wilms tumor 1; Drash syndrome; 11p partial monosomy syndrome; Frasier syndrome. Last evaluated: 2023-05-31. Review status: criteria provided, single submitter. Criteria: Invitae Variant Classification Sherloc (09022015). Collection method: clinical testing. Allele origin: germline.
Comment: In summary, the available evidence is currently insufficient to determine the role of this variant in disease. Therefore, it has been classified as a Variant of Uncertain Significance. Advanced modeling of protein sequence and biophysical properties (such as structural, functional, and spatial information, amino acid conservation, physicochemical variation, residue mobility, and thermodynamic stability) has been performed at Invitae for this missense variant, however the output from this modeling did not meet the statistical confidence thresholds required to predict the impact of this variant on WT1 protein function. ClinVar contains an entry for this variant (Variation ID: 1398590). This variant has not been reported in the literature in individuals affected with WT1-related conditions. This variant is not present in population databases (gnomAD no frequency). This sequence change replaces arginine, which is basic and polar, with lysine, which is basic and polar, at codon 57 of the WT1 protein (p.Arg57Lys).

NM_024426.6(WT1):c.185G>A (p.Arg62Lys)

Genes: WT1 (WT1 transcription factor; minus strand), LOC107982234 (WT1/WT1-AS bi-directional promoter region; plus strand). Cytogenetic location: 11p13.
Variant type: single nucleotide variant.
Coding change: c.185G>A on transcript NM_024426.6 (MANE Select); coding-DNA position 185, G replaced by A.
Protein change: p.Arg62Lys; replaces arginine 62 with lysine.
Molecular consequence: missense variant. On other transcripts: non-coding transcript variant (1).
Genome position (GRCh38, 1-based): chr11:32,435,176, C>T on the plus strand (G>A on the coding strand, the complement: WT1 is on the minus strand). VCF-style: chr11-32435176-C-T. GRCh37 (hg19) VCF-style: chr11-32456722-C-T.
Other names: c.185G>A, p.Arg62Lys (NM_000378.6, NM_024424.5); short protein forms R62K.
Identifiers: ClinVar variation 1398590 (VCV001398590.8), dbSNP rs1295712217, ClinGen allele CA379966209.